The following is an entry in ClinVar:

NM_004408.4(DNM1):c.1873G>A (p.Val625Met)

Gene: DNM1 (dynamin 1; plus strand). Cytogenetic location: 9q34.11.
Variant type: single nucleotide variant.
Coding change: c.1873G>A on transcript NM_004408.4 (MANE Select); coding-DNA position 1873, G replaced by A.
Protein change: p.Val625Met; replaces valine 625 with methionine.
Molecular consequence: missense variant.
Genome position (GRCh38, 1-based): chr9:128,247,466, G>A. VCF-style: chr9-128247466-G-A. GRCh37 (hg19) VCF-style: chr9-131009745-G-A.
Other names: c.1873G>A, p.Val625Met (NM_001374269.1, NM_001005336.3, NM_001288737.2 and 2 more transcripts); short protein forms V625M.
Identifiers: ClinVar variation 3616028 (VCV003616028.2).

ClinVar aggregate classification (germline): Uncertain significance (1 of 4 stars; one submission).

Conditions:
Developmental and epileptic encephalopathy, 31A. Also called: Developmental and epileptic encephalopathy, 31; Epileptic encephalopathy, early infantile, 31. Identifiers: Orphanet 2382, MedGen C4225357, MONDO:0014598, OMIM 616346.

gnomAD v4.1: 6 of 1,613,130 alleles (0.00037%); highest among the groups gnomAD compares: African/African-American, 0.0027%; no homozygotes.

Submission:

Labcorp Genetics (formerly Invitae), Labcorp
Classification: Uncertain significance for Developmental and epileptic encephalopathy, 31A. Last evaluated: 2024-07-06. Review status: criteria provided, single submitter. Criteria: Invitae Variant Classification Sherloc (09022015). Collection method: clinical testing. Allele origin: germline.
Comment: This sequence change replaces valine, which is neutral and non-polar, with methionine, which is neutral and non-polar, at codon 625 of the DNM1 protein (p.Val625Met). This variant is present in population databases (rs748709141, gnomAD 0.01%). This variant has not been reported in the literature in individuals affected with DNM1-related conditions. Advanced modeling of protein sequence and biophysical properties (such as structural, functional, and spatial information, amino acid conservation, physicochemical variation, residue mobility, and thermodynamic stability) performed at Invitae indicates that this missense variant is expected to disrupt DNM1 protein function with a positive predictive value of 80%. In summary, the available evidence is currently insufficient to determine the role of this variant in disease. Therefore, it has been classified as a Variant of Uncertain Significance.